The following is an entry in ClinVar:

NM_000081.4(LYST):c.4529G>C (p.Ser1510Thr)

Gene: LYST (lysosomal trafficking regulator; minus strand). Cytogenetic location: 1q42.3.
Variant type: single nucleotide variant.
Coding change: c.4529G>C on transcript NM_000081.4 (MANE Select); coding-DNA position 4529, G replaced by C.
Protein change: p.Ser1510Thr; replaces serine 1510 with threonine.
Molecular consequence: missense variant.
Genome position (GRCh38, 1-based): chr1:235,791,713, C>G on the plus strand (G>C on the coding strand, the complement: LYST is on the minus strand). VCF-style: chr1-235791713-C-G. GRCh37 (hg19) VCF-style: chr1-235955013-C-G.
Other names: c.4529G>C, p.Ser1510Thr (NM_001301365.1); short protein forms S1510T.
Identifiers: ClinVar variation 1034045 (VCV001034045.7), dbSNP rs1374314042, ClinGen allele CA344959079.

ClinVar aggregate classification (germline): Uncertain significance. Review status: criteria provided, multiple submitters, no conflicts (2 of 4 stars). 3 submissions from 3 submitters: Uncertain significance (3). Last evaluated 2025-12-22.

Conditions:
Inborn genetic diseases. Identifiers: MedGen C0950123, MeSH D030342.
Chédiak-Higashi syndrome (CHS). Also called: Chediak-Higashi Syndrome. Identifiers: Orphanet 167, MedGen C0007965, MONDO:0008963, OMIM 214500.

Allele frequency attached by ClinVar (database versions not stated): gnomAD exomes below 0.00001; TOPMed 0.00002; gnomAD 0.00003.
gnomAD v4.1: 10 of 1,611,220 alleles (0.00062%); highest among the groups gnomAD compares: East Asian, 0.013%; no homozygotes.

Submissions (3):

Ambry Genetics
Classification: Uncertain significance for Inborn genetic diseases. Last evaluated: 2025-12-22. Review status: criteria provided, single submitter. Criteria: Ambry Variant Classification Scheme 2023. Collection method: clinical testing. Allele origin: germline.

Labcorp Genetics (formerly Invitae), Labcorp
Classification: Uncertain significance for Chédiak-Higashi syndrome. Last evaluated: 2021-08-27. Review status: criteria provided, single submitter. Criteria: Invitae Variant Classification Sherloc (09022015). Collection method: clinical testing. Allele origin: germline.
Comment: This sequence change replaces serine with threonine at codon 1510 of the LYST protein (p.Ser1510Thr). The serine residue is moderately conserved and there is a small physicochemical difference between serine and threonine. This variant is not present in population databases (ExAC no frequency). This variant has not been reported in the literature in individuals affected with LYST-related conditions. Algorithms developed to predict the effect of missense changes on protein structure and function (SIFT, PolyPhen-2, Align-GVGD) all suggest that this variant is likely to be tolerated. In summary, the available evidence is currently insufficient to determine the role of this variant in disease. Therefore, it has been classified as a Variant of Uncertain Significance.

Baylor Genetics
Classification: Uncertain significance for Chédiak-Higashi syndrome. Last evaluated: 2018-06-20. Review status: criteria provided, single submitter. Criteria: ACMG Guidelines, 2015. Collection method: clinical testing. Allele origin: maternal. Affected: yes.
Comment: This variant was determined to be of uncertain significance according to ACMG Guidelines, 2015 [PMID:25741868].